The following is an entry in ClinVar:

NM_004006.3(DMD):c.6471TGT[3] (p.Val2159dup)

Gene: DMD (dystrophin; minus strand). Cytogenetic location: Xp21.1.
Variant type: Microsatellite.
Coding change: c.6471TGT[3] on transcript NM_004006.3 (MANE Select); three copies in a row of the 3-base unit TGT starting at c.6471; the reference has two copies in a row; one copy, 3 bases duplicated.
Protein change: p.Val2159dup; duplicates valine 2159.
Molecular consequence: inframe insertion. On other transcripts: 5 prime UTR variant (5).
Genome position (GRCh38, 1-based): chrX:31,968,477-31,968,479, ACA duplicated on the plus strand (TGT on the coding strand, the reverse complement: DMD is on the minus strand); duplicating any 3 consecutive bases within chrX:31,968,477-31,968,482 gives the same sequence; the position shown is the placement nearest the transcript's 3' end. VCF-style (leftmost placement, unchanged base first): chrX-31968476-G-GACA. GRCh37 (hg19) VCF-style: chrX-31986593-G-GACA.
Other names: c.6447TGT[3], p.Val2151dup (NM_000109.4); c.6459TGT[3], p.Val2155dup (NM_004009.3); c.6102TGT[3], p.Val2036dup (NM_004010.3); c.2448TGT[3], p.Val818dup (NM_004011.4); c.2439TGT[3], p.Val815dup (NM_004012.4); c.-910TGT[3] (NM_004013.3, NM_004020.4, NM_004021.3 and 2 more transcripts); c.6474_6476dupTGT (NM_004006.2).
Identifiers: ClinVar variation 666822 (VCV000666822.14), dbSNP rs1395996899, ClinGen allele CA874644048.

ClinVar aggregate classification (germline): Uncertain significance. Review status: criteria provided, multiple submitters, no conflicts (2 of 4 stars). 5 submissions from 5 submitters: Uncertain significance (4). 1 of the submissions does not count toward it. Last evaluated 2026-04-27.

Conditions:
Cardiovascular phenotype. Identifiers: MedGen CN230736.
Duchenne muscular dystrophy (DMD). Also called: MUSCULAR DYSTROPHY, PSEUDOHYPERTROPHIC PROGRESSIVE, DUCHENNE TYPE; Duchenne Muscular Dystrophy (DMD). Identifiers: Orphanet 98896, MedGen C0013264, MONDO:0010679, OMIM 310200.
Dilated cardiomyopathy 3B (CMD3B). Also called: CMD3B: DMD-Related Dilated Cardiomyopathy; CARDIOMYOPATHY, DILATED, X-LINKED; DMD-Associated Dilated Cardiomyopathy. Identifiers: Orphanet 154, MedGen C3668940, MONDO:0010542, OMIM 302045.
Becker muscular dystrophy (BMD). Also called: MUSCULAR DYSTROPHY, PSEUDOHYPERTROPHIC PROGRESSIVE, BECKER TYPE; Becker Muscular Dystrophy (BMD). Identifiers: Orphanet 98895, MedGen C0917713, MONDO:0010311, OMIM 300376.
Dystrophin deficiency.

Submissions (5):

Ambry Genetics
Classification: Uncertain significance for Cardiovascular phenotype. Last evaluated: 2026-04-27. Review status: criteria provided, single submitter. Criteria: Ambry Variant Classification Scheme 2023. Collection method: clinical testing. Allele origin: germline.
Comment: The c.6474_6476dupTGT variant (also known as p.V2159dup), located in coding exon 45 of the DMD gene, results from an in-frame duplication of TGT at nucleotide positions 6474 to 6476. This results in the duplication of an extra valine residue between codons 2159 and 2160. This variant was reported in individual(s) with features consistent with dilated cardiomyopathy (Ambry internal data). This amino acid position is well conserved in available vertebrate species. In addition, the in silico prediction for this variant is inconclusive (Choi Y et al. PLoS ONE. 2012; 7(10):e46688). Based on the available evidence, the clinical significance of this variant remains unclear.

Labcorp Genetics (formerly Invitae), Labcorp
Classification: Uncertain significance for Duchenne muscular dystrophy. Last evaluated: 2022-08-03. Review status: criteria provided, single submitter. Criteria: Invitae Variant Classification Sherloc (09022015). Collection method: clinical testing. Allele origin: germline.
Comment: This variant, c.6474_6476dup, results in the insertion of 1 amino acid(s) of the DMD protein (p.Val2159dup), but otherwise preserves the integrity of the reading frame. This variant is not present in population databases (gnomAD no frequency). This variant has not been reported in the literature in individuals affected with DMD-related conditions. ClinVar contains an entry for this variant (Variation ID: 666822). Experimental studies and prediction algorithms are not available or were not evaluated, and the functional significance of this variant is currently unknown. In summary, the available evidence is currently insufficient to determine the role of this variant in disease. Therefore, it has been classified as a Variant of Uncertain Significance.

Fulgent Genetics
Classification: Uncertain significance for Becker muscular dystrophy; Dilated cardiomyopathy 3B; Duchenne muscular dystrophy. Last evaluated: 2021-09-21. Review status: criteria provided, single submitter. Criteria: ACMG Guidelines, 2015. Collection method: clinical testing. Allele origin: unknown.

Laboratory for Molecular Medicine, Mass General Brigham Personalized Medicine
Classification: Uncertain significance. Last evaluated: 2018-08-22. Review status: criteria provided, single submitter. Criteria: LMM Criteria. Collection method: clinical testing. Allele origin: germline. Observed: 1 variant allele.
Comment: The p.Val2159dup variant in DMD has not been previously reported in individuals with muscular dystrophy or cardiomyopathy and was absent from large population s tudies. This variant is an duplication of 1 amino acid at position 2159 and is n ot predicted to alter the protein reading-frame. It is unclear if this duplicati on will impact the protein. In summary, the clinical significance of the p.Val21 59dup variant is uncertain. ACMG/AMP Criteria applied: PM2, PM4_Supporting.

Natera, Inc.
Classification: Uncertain significance for Dystrophin deficiency. Last evaluated: 2020-09-16. Review status: no assertion criteria provided. Collection method: clinical testing. Allele origin: germline. Not counted in ClinVar's aggregate classification.